The following is an entry in ClinVar:

NM_000635.4(RFX2):c.183G>A (p.Val61=)

Gene: RFX2 (regulatory factor X2; minus strand). Cytogenetic location: 19p13.3.
Variant type: single nucleotide variant.
Coding change: c.183G>A on transcript NM_000635.4 (MANE Select); coding-DNA position 183, G replaced by A.
Protein change: p.Val61=; no amino-acid change (valine 61 retained).
Molecular consequence: synonymous variant.
Genome position (GRCh38, 1-based): chr19:6,042,121, C>T on the plus strand (G>A on the coding strand, the complement: RFX2 is on the minus strand). VCF-style: chr19-6042121-C-T. GRCh37 (hg19) VCF-style: chr19-6042132-C-T.
Other names: c.183G>A, p.Val61= (NM_134433.3).
Identifiers: ClinVar variation 4988363 (VCV004988363.1).
Genomic context (GRCh38, chr19:6,042,121, plus strand): 5'-GACGGCGTCTCCCCCTTCCACGTACTGCACCTGGGCAGGATACACGTGCTGCACCGGCTG[C>T]ACCTGAAACATCGGATACGCTGCGTTACCGCCAGTCACGCCCTCGTGAGTTGCCTGCAGA-3'
Protein context (NP_000626.2, residues 51-71): LPRVQQVPQQ[Val61=]QPVQHVYPAQ

ClinVar aggregate classification (germline): Likely benign (1 of 4 stars; one submission).

Conditions:
RFX2-related disorder. Also called: RFX2-related condition.

gnomAD v4.1: 40 of 1,613,586 alleles (0.0025%); highest among the groups gnomAD compares: Non-Finnish European, 0.0032%; no homozygotes.

Submission:

PreventionGenetics, part of Exact Sciences
Classification: Likely benign for RFX2-related condition. Last evaluated: 2026-06-12. Review status: criteria provided, single submitter. Criteria: ACMG Guidelines, 2015. Collection method: clinical testing. Allele origin: germline.
Comment: This variant is classified as likely benign based on ACMG/AMP sequence variant interpretation guidelines (Richards et al. 2015 PMID: 25741868, with internal and published modifications).